The following is an entry in ClinVar:

ClinVar aggregate classification (germline): Benign (0 of 4 stars; one submission).

Conditions:
ROCK2-related disorder. Also called: ROCK2-related condition.

Allele frequency attached by ClinVar (database versions not stated): ESP Exome Variant Server 0.00287; gnomAD 0.00305; 1000 Genomes Project 0.00319; 1000 Genomes Project 30x 0.00344; TOPMed 0.00377.
gnomAD v4.1: 888 of 1,453,664 alleles (0.061%); highest among the groups gnomAD compares: African/African-American, 0.98%; 4 homozygotes.

Submission:

PreventionGenetics, part of Exact Sciences
Classification: Benign for ROCK2-related condition. Last evaluated: 2019-04-05. Review status: no assertion criteria provided. Collection method: clinical testing. Allele origin: germline.
Comment: This variant is classified as benign based on ACMG/AMP sequence variant interpretation guidelines (Richards et al. 2015 PMID: 25741868, with internal and published modifications).

NM_004850.5(ROCK2):c.2620-6A>G

Gene: ROCK2 (Rho associated coiled-coil containing protein kinase 2; minus strand). Cytogenetic location: 2p25.1.
Variant type: single nucleotide variant.
Coding change: c.2620-6A>G on transcript NM_004850.5 (MANE Select); 6 bases into the intron before coding-DNA position 2620, A replaced by G.
Molecular consequence: intron variant.
Genome position (GRCh38, 1-based): chr2:11,201,419, T>C on the plus strand (A>G on the coding strand, the complement: ROCK2 is on the minus strand). VCF-style: chr2-11201419-T-C. GRCh37 (hg19) VCF-style: chr2-11341545-T-C.
Other names: c.2362-6A>G (NM_001321643.2).
Identifiers: ClinVar variation 3033917 (VCV003033917.2), dbSNP rs145334990, ClinGen allele CA1530022.